The following is an entry in ClinVar:

NM_001164277.2(SLC37A4):c.340C>T (p.Gln114Ter)

Gene: SLC37A4 (solute carrier family 37 member 4; minus strand). Cytogenetic location: 11q23.3.
Variant type: single nucleotide variant.
Coding change: c.340C>T on transcript NM_001164277.2 (MANE Select); coding-DNA position 340, C replaced by T.
Protein change: p.Gln114Ter; replaces glutamine 114 with a stop codon.
Molecular consequence: nonsense.
Genome position (GRCh38, 1-based): chr11:119,028,235, G>A on the plus strand (C>T on the coding strand, the complement: SLC37A4 is on the minus strand). VCF-style: chr11-119028235-G-A. GRCh37 (hg19) VCF-style: chr11-118898945-G-A.
Other names: c.340C>T, p.Gln114Ter (NM_001164278.2, NM_001164280.2, NM_001467.6); c.121C>T, p.Gln41Ter (NM_001164279.2); short protein forms Q114*, Q41*.
Identifiers: ClinVar variation 1356284 (VCV001356284.6), dbSNP rs782313064, ClinGen allele CA6311861.

ClinVar aggregate classification (germline): Pathogenic (1 of 4 stars; one submission).

Conditions:
Glucose-6-phosphate transport defect (GSD1B). Also called: Glycogen Storage Disease Type Ib; GSD Ib. Identifiers: Orphanet 364, Orphanet 79259, MedGen C0268146, MONDO:0009288, OMIM 232220.

Allele frequency attached by ClinVar (database versions not stated): gnomAD 0.00001.

Submission:

Labcorp Genetics (formerly Invitae), Labcorp
Classification: Pathogenic for Glucose-6-phosphate transport defect. Last evaluated: 2026-01-26. Review status: criteria provided, single submitter. Criteria: Invitae Variant Classification Sherloc (09022015). Collection method: clinical testing. Allele origin: germline.
Comment: This sequence change creates a premature translational stop signal (p.Gln114*) in the SLC37A4 gene. It is expected to result in an absent or disrupted protein product. Loss-of-function variants in SLC37A4 are known to be pathogenic (PMID: 9758626, 10940311). The frequency data for this variant in the population databases is considered unreliable, as metrics indicate poor data quality at this position in the gnomAD database. This variant has not been reported in the literature in individuals affected with SLC37A4-related conditions. ClinVar contains an entry for this variant (Variation ID: 1356284). Algorithms developed to predict the effect of sequence changes on RNA splicing suggest that this variant may disrupt the consensus splice site. For these reasons, this variant has been classified as Pathogenic.

Literature cited by the submitters: PubMed 9758626; PubMed 10940311.